The following is an entry in ClinVar:

NM_025179.4(PLXNA2):c.3480G>A (p.Ser1160=)

Gene: PLXNA2 (plexin A2; minus strand). Cytogenetic location: 1q32.2.
Variant type: single nucleotide variant.
Coding change: c.3480G>A on transcript NM_025179.4 (MANE Select); coding-DNA position 3480, G replaced by A.
Protein change: p.Ser1160=; no amino-acid change (serine 1160 retained).
Molecular consequence: synonymous variant.
Genome position (GRCh38, 1-based): chr1:208,045,893, C>T on the plus strand (G>A on the coding strand, the complement: PLXNA2 is on the minus strand). VCF-style: chr1-208045893-C-T. GRCh37 (hg19) VCF-style: chr1-208219238-C-T.
Other names: c.3480G>A (NM_025179.3).
Identifiers: ClinVar variation 1630929 (VCV001630929.11), dbSNP rs753774411, ClinGen allele CA1373192.

ClinVar aggregate classification (germline): Likely benign. Review status: criteria provided, single submitter (1 of 4 stars). 2 submissions from 2 submitters: Likely benign (1). 1 of the submissions does not count toward it. Last evaluated 2025-09-13.

Conditions:
PLXNA2-related disorder. Also called: PLXNA2-related condition.

Allele frequency attached by ClinVar (database versions not stated): gnomAD 0.00001; ExAC 0.00004; TOPMed 0.00005; gnomAD exomes 0.00006.
gnomAD v4.1: 27 of 1,614,092 alleles (0.0017%); highest among the groups gnomAD compares: Admixed American, 0.023%; no homozygotes.

Submissions (2):

Labcorp Genetics (formerly Invitae), Labcorp
Classification: Likely benign. Last evaluated: 2025-09-13. Review status: criteria provided, single submitter. Criteria: Invitae Variant Classification Sherloc (09022015). Collection method: clinical testing. Allele origin: germline.

PreventionGenetics, part of Exact Sciences
Classification: Likely benign for PLXNA2-related condition. Last evaluated: 2021-05-20. Review status: no assertion criteria provided. Collection method: clinical testing. Allele origin: germline. Not counted in ClinVar's aggregate classification.
Comment: This variant is classified as likely benign based on ACMG/AMP sequence variant interpretation guidelines (Richards et al. 2015 PMID: 25741868, with internal and published modifications).